The following is an entry in ClinVar:

NM_201253.3(CRB1):c.3292del (p.Ser1098fs)

Gene: CRB1 (crumbs cell polarity complex component 1; plus strand). Cytogenetic location: 1q31.3.
Variant type: Deletion.
Coding change: c.3292del on transcript NM_201253.3 (MANE Select); coding-DNA position 3292, one base deleted (A; older notation c.3292delA).
Protein change: p.Ser1098fs; shifts the reading frame from serine 1098.
Molecular consequence: frameshift variant. On other transcripts: non-coding transcript variant (2), intron variant (1).
Genome position (GRCh38, 1-based): chr1:197,435,155, A deleted; the last of 2 consecutive A bases (chr1:197,435,154-197,435,155); deleting either gives the same sequence. VCF-style (leftmost placement, unchanged base first): chr1-197435153-TA-T. GRCh37 (hg19) VCF-style: chr1-197404283-TA-T.
Other names: c.2956del, p.Ser986fs (NM_001193640.2); c.3220del, p.Ser1074fs (NM_001257965.2); c.2129-445del (NM_001257966.2); short protein forms S986fs, S1098fs, S1074fs.
Identifiers: ClinVar variation 2104669 (VCV002104669.4), dbSNP rs2528200659, ClinGen allele CA2580061938.

ClinVar aggregate classification (germline): Pathogenic (1 of 4 stars; one submission).

Conditions:
Leber congenital amaurosis 8 (LCA8). Identifiers: Orphanet 65, MedGen C3151202, MONDO:0013453, OMIM 613835.
Retinitis pigmentosa 12 (RP12). Also called: RP WITH OR WITHOUT PRESERVED PARAARTERIOLE RETINAL PIGMENT EPITHELIUM; RETINITIS PIGMENTOSA WITH OR WITHOUT PARAARTERIOLAR PRESERVATION OF RETINAL PIGMENT EPITHELIUM; RP WITH OR WITHOUT PPRPE. Identifiers: Orphanet 791, MedGen C1838647, MONDO:0010818, OMIM 600105.

Submission:

Labcorp Genetics (formerly Invitae), Labcorp
Classification: Pathogenic for Leber congenital amaurosis 8; Retinitis pigmentosa 12. Last evaluated: 2023-09-24. Review status: criteria provided, single submitter. Criteria: Invitae Variant Classification Sherloc (09022015). Collection method: clinical testing. Allele origin: germline.
Comment: This sequence change creates a premature translational stop signal (p.Ser1098Valfs*3) in the CRB1 gene. It is expected to result in an absent or disrupted protein product. Loss-of-function variants in CRB1 are known to be pathogenic (PMID: 10508521, 22065545, 23379534, 25412400, 26957898, 28041643, 29391521). This variant is not present in population databases (gnomAD no frequency). This variant has not been reported in the literature in individuals affected with CRB1-related conditions. For these reasons, this variant has been classified as Pathogenic. ClinVar contains an entry for this variant (Variation ID: 2104669).

Literature cited by the submitters: PubMed 10508521; PubMed 22065545; PubMed 23379534; PubMed 25412400; PubMed 26957898; PubMed 28041643; PubMed 29391521.